The following is an entry in ClinVar:

ClinVar aggregate classification (germline): Likely benign (1 of 4 stars; one submission).

Conditions:
Autosomal dominant childhood-onset proximal spinal muscular atrophy with contractures (SMALED2A). Also called: SPINAL MUSCULAR ATROPHY, LOWER EXTREMITY-PREDOMINANT, 2A, CHILDHOOD ONSET, AUTOSOMAL DOMINANT; Spinal muscular atrophy, lower extremity-predominant, 2A, autosomal dominant. Identifiers: Orphanet 363447, Orphanet 363454, MedGen C4747715, MONDO:0014121, OMIM 615290.

Allele frequency attached by ClinVar (database versions not stated): gnomAD 0.00001; gnomAD exomes 0.00001 and 0.00002; ExAC 0.00002.
gnomAD v4.1: 15 of 1,613,350 alleles (0.00093%); highest among the groups gnomAD compares: South Asian, 0.016%; no homozygotes.

Submission:

Victorian Clinical Genetics Services, Murdoch Childrens Research Institute
Classification: Likely benign for Autosomal dominant childhood-onset proximal spinal muscular atrophy with contractures. Last evaluated: 2020-05-26. Review status: criteria provided, single submitter. Criteria: ACMG Guidelines, 2015. Collection method: clinical testing. Allele origin: germline. Inheritance: Autosomal dominant inheritance.
Comment: Based on the classification scheme VCGS_Germline_v1.1.1, this variant is classified as likely benign. Following criteria are met: 0102 - Loss-of-function is a likely mechanism of disease for this gene (PMID: 32057122). (N) 0107 - This gene is known to be associated with autosomal dominant disease. (N) 0200 - Variant is predicted to result in a missense amino acid change from threonine to alanine (exon 5). (N) 0251 - Variant is heterozygous. (N) 0302 - Variant is present in gnomAD <0.001 for a dominant condition (5 heterozygotes, 0 homozygotes). (P) 0309 - An alternative amino acid change at the same position has been observed in gnomAD (47 heterozygotes, 0 homozygotes). (N) 0504 - Same amino acid change has been observed in mammals. (B) 0600 - Variant is located in an annotated domain or motif, (BicD domain; PDB, NCBI). (N) 0710 – A comparable variant (p.Thr376Met) has some previous evidence for being benign (ClinVar). (B) 0807 - Variant has not previously been reported in a clinical context. (N) 0905 - No segregation evidence has been identified for this variant in the literature. (N) 1007 - No published functional evidence has been identified for this variant. (N) 1208 - Inheritance information for this variant is not currently available. (N) Legend: (P) - Pathogenic, (N) - Neutral, (B) - Benign

Literature cited by the submitters: PubMed 32057122.

NM_001003800.2(BICD2):c.1126A>G (p.Thr376Ala)

Gene: BICD2 (BICD cargo adaptor 2; minus strand). Cytogenetic location: 9q22.31.
Variant type: single nucleotide variant.
Coding change: c.1126A>G on transcript NM_001003800.2 (MANE Select); coding-DNA position 1126, A replaced by G.
Protein change: p.Thr376Ala; replaces threonine 376 with alanine.
Molecular consequence: missense variant.
Genome position (GRCh38, 1-based): chr9:92,719,519, T>C on the plus strand (A>G on the coding strand, the complement: BICD2 is on the minus strand). VCF-style: chr9-92719519-T-C. GRCh37 (hg19) VCF-style: chr9-95481801-T-C.
Other names: c.1126A>G, p.Thr376Ala (NM_015250.4); short protein forms T376A.
Identifiers: ClinVar variation 1699321 (VCV001699321.3), dbSNP rs757885234, ClinGen allele CA5126629.
Genomic context (GRCh38, chr9:92,719,519, plus strand): 5'-CACTCAGATTCTCTGTGAGGCGGGTCACCTTCTCCTGCTGTTCTGACAGGGAGCCCCGCG[T>C]GTGCTCCAGCTGCTTCTGTGTGTCCTGCAGCGTTGCCAGCAGGCCCGCCTTTTCCCGCTC-3'
Protein context (NP_001003800.1, residues 366-386): LQDTQKQLEH[Thr376Ala]RGSLSEQQEK